The following is an entry in ClinVar:

NM_032383.5(HPS3):c.182T>C (p.Leu61Pro)

Gene: HPS3 (HPS3 biogenesis of lysosomal organelles complex 2 subunit 1; plus strand). Cytogenetic location: 3q24.
Variant type: single nucleotide variant.
Coding change: c.182T>C on transcript NM_032383.5 (MANE Select); coding-DNA position 182, T replaced by C.
Protein change: p.Leu61Pro; replaces leucine 61 with proline.
Molecular consequence: missense variant.
Genome position (GRCh38, 1-based): chr3:149,129,905, T>C. VCF-style: chr3-149129905-T-C. GRCh37 (hg19) VCF-style: chr3-148847692-T-C.
Other names: c.182T>C, p.Leu61Pro (NM_001308258.2); short protein forms L61P.
Identifiers: ClinVar variation 1484008 (VCV001484008.4), dbSNP rs2108112412, ClinGen allele CA354906670.

ClinVar aggregate classification (germline): Uncertain significance. Review status: criteria provided, multiple submitters, no conflicts (2 of 4 stars). 2 submissions from 2 submitters: Uncertain significance (2). Last evaluated 2022-07-19.

Conditions:
Hermansky-Pudlak syndrome 3 (HPS3). Identifiers: Orphanet 231512, Orphanet 79430, MedGen C3888001, MONDO:0013555, OMIM 614072.

Allele frequency attached by ClinVar (database versions not stated): gnomAD exomes below 0.00001.
gnomAD v4.1: 1 of 1,572,820 alleles (0.000064%); highest among the groups gnomAD compares: Non-Finnish European, 0.000086%; no homozygotes.

Submissions (2):

Labcorp Genetics (formerly Invitae), Labcorp
Classification: Uncertain significance. Last evaluated: 2022-07-19. Review status: criteria provided, single submitter. Criteria: Invitae Variant Classification Sherloc (09022015). Collection method: clinical testing. Allele origin: germline.
Comment: This sequence change replaces leucine, which is neutral and non-polar, with proline, which is neutral and non-polar, at codon 61 of the HPS3 protein (p.Leu61Pro). This variant is not present in population databases (gnomAD no frequency). This variant has not been reported in the literature in individuals affected with HPS3-related conditions. ClinVar contains an entry for this variant (Variation ID: 1484008). Algorithms developed to predict the effect of missense changes on protein structure and function output the following: SIFT: "Deleterious"; PolyPhen-2: "Probably Damaging"; Align-GVGD: "Class C0". The proline amino acid residue is found in multiple mammalian species, which suggests that this missense change does not adversely affect protein function. In summary, the available evidence is currently insufficient to determine the role of this variant in disease. Therefore, it has been classified as a Variant of Uncertain Significance.

Fulgent Genetics
Classification: Uncertain significance for Hermansky-Pudlak syndrome 3. Last evaluated: 2021-07-04. Review status: criteria provided, single submitter. Criteria: ACMG Guidelines, 2015. Collection method: clinical testing. Allele origin: unknown.